The following is an entry in ClinVar:

ClinVar aggregate classification (germline): Conflicting classifications of pathogenicity. Review status: criteria provided, conflicting classifications (1 of 4 stars). 2 submissions from 2 submitters: Uncertain significance (1); Likely benign (1). Last evaluated 2025-06-07.

Conditions:
Cardiovascular phenotype. Identifiers: MedGen CN230736.
Primary dilated cardiomyopathy (DCM). Also called: Dilated Cardiomyopathy. Identifiers: Orphanet 217604, MedGen C0007193, MeSH D002311, MONDO:0005021, HP:0001644. Inheritance: Various modes of inheritance.

Allele frequency attached by ClinVar (database versions not stated): TOPMed 0.00003; gnomAD exomes 0.00004; ExAC 0.00005; gnomAD 0.00005; ESP Exome Variant Server 0.00016.
gnomAD v4.1: 86 of 1,613,814 alleles (0.0053%); highest among the groups gnomAD compares: South Asian, 0.025%; 1 homozygote.

Submissions (2):

Ambry Genetics
Classification: Likely benign for Cardiovascular phenotype. Last evaluated: 2025-06-07. Review status: criteria provided, single submitter. Criteria: Ambry Variant Classification Scheme 2023. Collection method: clinical testing. Allele origin: germline.

Labcorp Genetics (formerly Invitae), Labcorp
Classification: Uncertain significance for Primary dilated cardiomyopathy. Last evaluated: 2025-03-16. Review status: criteria provided, single submitter. Criteria: Invitae Variant Classification Sherloc (09022015). Collection method: clinical testing. Allele origin: germline.
Comment: This sequence change replaces threonine, which is neutral and polar, with methionine, which is neutral and non-polar, at codon 306 of the TXNRD2 protein (p.Thr306Met). This variant is present in population databases (rs371153395, gnomAD 0.01%). This variant has not been reported in the literature in individuals affected with TXNRD2-related conditions. ClinVar contains an entry for this variant (Variation ID: 264270). Invitae Evidence Modeling of protein sequence and biophysical properties (such as structural, functional, and spatial information, amino acid conservation, physicochemical variation, residue mobility, and thermodynamic stability) indicates that this missense variant is not expected to disrupt TXNRD2 protein function with a negative predictive value of 80%. In summary, the available evidence is currently insufficient to determine the role of this variant in disease. Therefore, it has been classified as a Variant of Uncertain Significance.

NM_006440.5(TXNRD2):c.917C>T (p.Thr306Met)

Gene: TXNRD2 (thioredoxin reductase 2; minus strand). Cytogenetic location: 22q11.21.
Variant type: single nucleotide variant.
Coding change: c.917C>T on transcript NM_006440.5 (MANE Select); coding-DNA position 917, C replaced by T.
Protein change: p.Thr306Met; replaces threonine 306 with methionine.
Molecular consequence: missense variant. On other transcripts: non-coding transcript variant (1).
Genome position (GRCh38, 1-based): chr22:19,895,439, G>A on the plus strand (C>T on the coding strand, the complement: TXNRD2 is on the minus strand). VCF-style: chr22-19895439-G-A. GRCh37 (hg19) VCF-style: chr22-19882962-G-A.
Other names: c.917C>T, p.Thr306Met (NM_001282512.3); c.914C>T, p.Thr305Met (NM_001352300.2); c.827C>T, p.Thr276Met (NM_001352301.2); c.629C>T, p.Thr210Met (NM_001352302.2); c.821C>T, p.Thr274Met (NM_001352303.2); short protein forms T306M, T276M, T274M, T305M, T210M.
Identifiers: ClinVar variation 264270 (VCV000264270.15), dbSNP rs371153395, ClinGen allele CA10103946.
Genomic context (GRCh38, chr22:19,895,439, plus strand): 5'-CAGAGCGTGTGGCTCGACGTGCCCTTACCTATGGCCCACAGGACGGTGTCAAAGGTGCCC[G>A]TGTCCTCCTTGCCGGTGGTGCTGTCCTCCCAGGTGACCTGCAGCTGGCCATCAGGGAGCC-3'
Protein context (NP_006431.2, residues 296-316): WEDSTTGKED[Thr306Met]GTFDTVLWAI